The following is an entry in ClinVar:

NM_001113378.2(FANCI):c.2026G>T (p.Ala676Ser)

Gene: FANCI (FA complementation group I; plus strand). Cytogenetic location: 15q26.1.
Variant type: single nucleotide variant.
Coding change: c.2026G>T on transcript NM_001113378.2 (MANE Select); coding-DNA position 2026, G replaced by T.
Protein change: p.Ala676Ser; replaces alanine 676 with serine.
Molecular consequence: missense variant.
Genome position (GRCh38, 1-based): chr15:89,292,721, G>T. VCF-style: chr15-89292721-G-T. GRCh37 (hg19) VCF-style: chr15-89835952-G-T.
Other names: c.1747G>T, p.Ala583Ser (NM_001376910.1); c.2026G>T, p.Ala676Ser (NM_001376911.1, NM_018193.3); short protein forms A676S, A583S.
Identifiers: ClinVar variation 456201 (VCV000456201.6), dbSNP rs756986642, ClinGen allele CA7723262.

ClinVar aggregate classification (germline): Uncertain significance (1 of 4 stars; one submission).

Conditions:
Fanconi anemia (FA). Also called: Fanconi's anemia. Identifiers: Orphanet 84, MedGen C0015625, MeSH D005199, MONDO:0019391.

Allele frequency attached by ClinVar (database versions not stated): ExAC 0.00001; gnomAD exomes 0.00001; gnomAD 0.00002; TOPMed 0.00002.
gnomAD v4.1: 11 of 1,613,606 alleles (0.00068%); highest among the groups gnomAD compares: African/African-American, 0.013%; no homozygotes.

Submission:

Labcorp Genetics (formerly Invitae), Labcorp
Classification: Uncertain significance for Fanconi anemia. Last evaluated: 2022-05-27. Review status: criteria provided, single submitter. Criteria: Invitae Variant Classification Sherloc (09022015). Collection method: clinical testing. Allele origin: germline.
Comment: This sequence change replaces alanine, which is neutral and non-polar, with serine, which is neutral and polar, at codon 676 of the FANCI protein (p.Ala676Ser). This variant is present in population databases (rs756986642, gnomAD 0.02%). This variant has not been reported in the literature in individuals affected with FANCI-related conditions. ClinVar contains an entry for this variant (Variation ID: 456201). Algorithms developed to predict the effect of missense changes on protein structure and function (SIFT, PolyPhen-2, Align-GVGD) all suggest that this variant is likely to be tolerated. In summary, the available evidence is currently insufficient to determine the role of this variant in disease. Therefore, it has been classified as a Variant of Uncertain Significance.